The following is an entry in ClinVar:

NM_000059.4(BRCA2):c.5155A>C (p.Asn1719His)

Gene: BRCA2 (BRCA2 DNA repair associated; plus strand). Cytogenetic location: 13q13.1.
Variant type: single nucleotide variant.
Coding change: c.5155A>C on transcript NM_000059.4 (MANE Select); coding-DNA position 5155, A replaced by C.
Protein change: p.Asn1719His; replaces asparagine 1719 with histidine.
Molecular consequence: missense variant. On other transcripts: non-coding transcript variant (1), intron variant (2).
Genome position (GRCh38, 1-based): chr13:32,339,510, A>C. VCF-style: chr13-32339510-A-C. GRCh37 (hg19) VCF-style: chr13-32913647-A-C.
Other names: c.5155A>C, p.Asn1719His (NM_001406719.1, NM_001406720.1, NM_001432077.1); c.1910-5048A>C (NM_001406721.1); c.425-5048A>C (NM_001406722.1); short protein forms N1719H.
Identifiers: ClinVar variation 5033297 (VCV005033297.1).

ClinVar aggregate classification (germline): Uncertain significance (1 of 4 stars; one submission).

Conditions:
Hereditary cancer-predisposing syndrome. Also called: Neoplastic Syndromes, Hereditary; Tumor predisposition; Hereditary neoplastic syndrome; Hereditary Cancer Syndrome. Identifiers: Orphanet 140162, MedGen C0027672, MeSH D009386, MONDO:0015356.

Submission:

Ambry Genetics
Classification: Uncertain significance for Hereditary cancer-predisposing syndrome. Last evaluated: 2026-07-07. Review status: criteria provided, single submitter. Criteria: Ambry Variant Classification Scheme 2023. Collection method: clinical testing. Allele origin: germline.
Comment: The p.N1719H variant (also known as c.5155A>C), located in coding exon 10 of the BRCA2 gene, results from an A to C substitution at nucleotide position 5155. The asparagine at codon 1719 is replaced by histidine, an amino acid with similar properties. This amino acid position is conserved. In addition, this alteration is predicted to be tolerated by in silico analysis. Based on the available evidence, the clinical significance of this variant remains unclear.